The following is an entry in ClinVar:

ClinVar aggregate classification (germline): Pathogenic (1 of 4 stars; one submission).

Conditions:
Telangiectasia, hereditary hemorrhagic, type 2 (HHT2). Also called: Telangiectasia, hereditary hemorrhagic, type II; ACVRL1-Related Hereditary Hemorrhagic Telangiectasia. Identifiers: Orphanet 774, MedGen C1838163, MONDO:0010880, OMIM 600376. Disease mechanism: loss of function.

Submission:

Labcorp Genetics (formerly Invitae), Labcorp
Classification: Pathogenic for Telangiectasia, hereditary hemorrhagic, type 2. Last evaluated: 2024-06-24. Review status: criteria provided, single submitter. Criteria: Invitae Variant Classification Sherloc (09022015). Collection method: clinical testing. Allele origin: germline.
Comment: This sequence change creates a premature translational stop signal (p.Leu337Glyfs*54) in the ACVRL1 gene. It is expected to result in an absent or disrupted protein product. Loss-of-function variants in ACVRL1 are known to be pathogenic (PMID: 15879500). This variant is not present in population databases (gnomAD no frequency). This variant has not been reported in the literature in individuals affected with ACVRL1-related conditions. For these reasons, this variant has been classified as Pathogenic.

Literature cited by the submitters: PubMed 15879500.

NM_000020.3(ACVRL1):c.1008_1009del (p.Leu337fs)

Gene: ACVRL1 (activin A receptor like type 1; plus strand). Cytogenetic location: 12q13.13.
Variant type: Deletion.
Coding change: c.1008_1009del on transcript NM_000020.3 (MANE Select); coding-DNA positions 1008 to 1009, 2 bases deleted (GC; older notation c.1008_1009delGC).
Protein change: p.Leu337fs; shifts the reading frame from leucine 337.
Molecular consequence: frameshift variant.
Genome position (GRCh38, 1-based): chr12:51,915,460-51,915,461, GC deleted. VCF-style (leftmost placement, unchanged base first): chr12-51915459-TGC-T. GRCh37 (hg19) VCF-style: chr12-52309243-TGC-T.
Other names: c.1008_1009del, p.Leu337fs (NM_001077401.2, NM_001406487.1, NM_001406488.1 and 1 more transcripts); c.696_697del, p.Leu233fs (NM_001406490.1, NM_001406491.1, NM_001406492.1 and 2 more transcripts); c.444_445del, p.Leu149fs (NM_001406495.1); short protein forms L233fs, L337fs, L149fs.
Identifiers: ClinVar variation 2710128 (VCV002710128.3), dbSNP rs2540164860, ClinGen allele CA2697554494.